The following is an entry in ClinVar:

NM_144666.3(DNHD1):c.6121T>C (p.Phe2041Leu)

Gene: DNHD1 (dynein heavy chain domain 1; plus strand). Cytogenetic location: 11p15.4.
Variant type: single nucleotide variant.
Coding change: c.6121T>C on transcript NM_144666.3 (MANE Select); coding-DNA position 6121, T replaced by C.
Protein change: p.Phe2041Leu; replaces phenylalanine 2041 with leucine.
Molecular consequence: missense variant.
Genome position (GRCh38, 1-based): chr11:6,547,060, T>C. VCF-style: chr11-6547060-T-C. GRCh37 (hg19) VCF-style: chr11-6568290-T-C.
Other names: short protein forms F2041L.
Identifiers: ClinVar variation 3038148 (VCV003038148.2), dbSNP rs11825154, ClinGen allele CA5856111.

ClinVar aggregate classification (germline): Benign (0 of 4 stars; one submission).

Conditions:
DNHD1-related disorder. Also called: DNHD1-related condition.

Allele frequency attached by ClinVar (database versions not stated): gnomAD exomes 0.01958; ExAC 0.02961; 1000 Genomes Project 0.04772; 1000 Genomes Project 30x 0.05137; gnomAD 0.05200; TOPMed 0.05738; ESP Exome Variant Server 0.05891.
gnomAD v4.1: 35,706 of 1,551,420 alleles (2.3%); highest among the groups gnomAD compares: African/African-American, 14%; 1,050 homozygotes.

Submission:

PreventionGenetics, part of Exact Sciences
Classification: Benign for DNHD1-related condition. Last evaluated: 2020-01-02. Review status: no assertion criteria provided. Collection method: clinical testing. Allele origin: germline.
Comment: This variant is classified as benign based on ACMG/AMP sequence variant interpretation guidelines (Richards et al. 2015 PMID: 25741868, with internal and published modifications).